The following is an entry in ClinVar:

ClinVar aggregate classification (germline): Uncertain significance (1 of 4 stars; one submission).

Conditions:
Neurofibromatosis, type 1 (NF1). Also called: VON RECKLINGHAUSEN DISEASE; Neurofibromatosis, type I; NEUROFIBROMATOSIS, TYPE I, SOMATIC; Peripheral type neurofibromatosis. Identifiers: Orphanet 636, MedGen C0027831, MONDO:0018975, OMIM 162200. Disease mechanism: loss of function.

Submission:

Labcorp Genetics (formerly Invitae), Labcorp
Classification: Uncertain significance for Neurofibromatosis, type 1. Last evaluated: 2023-09-22. Review status: criteria provided, single submitter. Criteria: Invitae Variant Classification Sherloc (09022015). Collection method: clinical testing. Allele origin: germline.
Comment: In summary, the available evidence is currently insufficient to determine the role of this variant in disease. Therefore, it has been classified as a Variant of Uncertain Significance. Advanced modeling of protein sequence and biophysical properties (such as structural, functional, and spatial information, amino acid conservation, physicochemical variation, residue mobility, and thermodynamic stability) has been performed at Invitae for this missense variant, however the output from this modeling did not meet the statistical confidence thresholds required to predict the impact of this variant on NF1 protein function. This variant has not been reported in the literature in individuals affected with NF1-related conditions. This variant is not present in population databases (gnomAD no frequency). This sequence change replaces methionine, which is neutral and non-polar, with isoleucine, which is neutral and non-polar, at codon 1960 of the NF1 protein (p.Met1960Ile).

NM_001042492.3(NF1):c.5943G>T (p.Met1981Ile)

Gene: NF1 (neurofibromin 1; plus strand). Cytogenetic location: 17q11.2.
Variant type: single nucleotide variant.
Coding change: c.5943G>T on transcript NM_001042492.3 (MANE Select); coding-DNA position 5943, G replaced by T.
Protein change: p.Met1981Ile; replaces methionine 1981 with isoleucine.
Molecular consequence: missense variant.
Genome position (GRCh38, 1-based): chr17:31,334,968, G>T. VCF-style: chr17-31334968-G-T. GRCh37 (hg19) VCF-style: chr17-29661986-G-T.
Other names: c.5880G>T, p.Met1960Ile (NM_000267.4); short protein forms M1960I, M1981I.
Identifiers: ClinVar variation 2762620 (VCV002762620.3), dbSNP rs2151550602, ClinGen allele CA399010837.